The following is an entry in ClinVar:

NM_001177316.2(SLC34A3):c.1482C>T (p.Leu494=)

Gene: SLC34A3 (solute carrier family 34 member 3; plus strand). Cytogenetic location: 9q34.3.
Variant type: single nucleotide variant.
Coding change: c.1482C>T on transcript NM_001177316.2 (MANE Select); coding-DNA position 1482, C replaced by T.
Protein change: p.Leu494=; no amino-acid change (leucine 494 retained).
Molecular consequence: synonymous variant.
Genome position (GRCh38, 1-based): chr9:137,236,098, C>T. VCF-style: chr9-137236098-C-T. GRCh37 (hg19) VCF-style: chr9-140130550-C-T.
Other names: c.1482C>T, p.Leu494= (NM_001177317.2, NM_080877.3).
Identifiers: ClinVar variation 717732 (VCV000717732.16), dbSNP rs28510663, ClinGen allele CA5364965.

ClinVar aggregate classification (germline): Benign/Likely benign. Review status: criteria provided, multiple submitters, no conflicts (2 of 4 stars). 5 submissions from 5 submitters: Benign (2); Likely benign (2). 1 of the submissions does not count toward it. Last evaluated 2026-01-19.

Conditions:
Autosomal recessive hypophosphatemic bone disease (HHRH). Also called: HYPERCALCIURIC RICKETS; Hypophosphatemic rickets with hypercalciuria. Identifiers: Orphanet 157215, MedGen C1853271, MONDO:0009431, OMIM 241530.
SLC34A3-related disorder. Also called: SLC34A3-related condition.

Allele frequency attached by ClinVar (database versions not stated): gnomAD exomes 0.00076; ExAC 0.00102; ESP Exome Variant Server 0.00264; gnomAD 0.00275 and 0.00302; TOPMed 0.00310; 1000 Genomes Project 0.00439; 1000 Genomes Project 30x 0.00468.

Submissions (5):

Labcorp Genetics (formerly Invitae), Labcorp
Classification: Benign. Last evaluated: 2026-01-19. Review status: criteria provided, single submitter. Criteria: Invitae Variant Classification Sherloc (09022015). Collection method: clinical testing. Allele origin: germline.

Blueprint Genetics
Classification: Likely benign. Last evaluated: 2024-09-02. Review status: criteria provided, single submitter. Criteria: ACMG Guidelines, 2015. Collection method: clinical testing. Allele origin: germline.

Fulgent Genetics
Classification: Likely benign for Autosomal recessive hypophosphatemic bone disease. Last evaluated: 2021-08-12. Review status: criteria provided, single submitter. Criteria: ACMG Guidelines, 2015. Collection method: clinical testing. Allele origin: unknown.

Breakthrough Genomics
Classification: Benign. Review status: criteria provided, single submitter. Criteria: ACMG Guidelines, 2015. Collection method: not provided. Allele origin: germline. Inheritance: Autosomal recessive inheritance. Affected: yes.

PreventionGenetics, part of Exact Sciences
Classification: Benign for SLC34A3-related condition. Last evaluated: 2019-03-27. Review status: no assertion criteria provided. Collection method: clinical testing. Allele origin: germline. Not counted in ClinVar's aggregate classification.
Comment: This variant is classified as benign based on ACMG/AMP sequence variant interpretation guidelines (Richards et al. 2015 PMID: 25741868, with internal and published modifications).